The following is an entry in ClinVar:

NM_000218.3(KCNQ1):c.1036A>G (p.Ile346Val)

Gene: KCNQ1 (potassium voltage-gated channel subfamily Q member 1; plus strand). Cytogenetic location: 11p15.5.
Variant type: single nucleotide variant.
Coding change: c.1036A>G on transcript NM_000218.3 (MANE Select); coding-DNA position 1036, A replaced by G.
Protein change: p.Ile346Val; replaces isoleucine 346 with valine.
Molecular consequence: missense variant. On other transcripts: intron variant (2).
Genome position (GRCh38, 1-based): chr11:2,585,215, A>G. VCF-style: chr11-2585215-A-G. GRCh37 (hg19) VCF-style: chr11-2606445-A-G.
Other names: c.766A>G, p.Ile256Val (NM_001406837.1); c.655A>G, p.Ile219Val (NM_181798.2); c.1032+1670A>G (NM_001406836.1); c.588+1670A>G (NM_001406838.1); short protein forms I219V, I256V, I346V.
Identifiers: ClinVar variation 3777405 (VCV003777405.1).

ClinVar aggregate classification (germline): Uncertain significance (1 of 4 stars; one submission).

Submission:

GeneDx
Classification: Uncertain significance. Last evaluated: 2024-10-14. Review status: criteria provided, single submitter. Criteria: GeneDx Variant Classification Process June 2021. Collection method: clinical testing. Allele origin: germline. Affected: yes.
Comment: Not observed at significant frequency in large population cohorts (gnomAD); In silico analysis indicates that this missense variant does not alter protein structure/function; Has not been previously published as pathogenic or benign to our knowledge